The following is an entry in ClinVar:

NM_001048174.2(MUTYH):c.*3C>A

Gene: MUTYH (mutY DNA glycosylase; minus strand). Cytogenetic location: 1p34.1.
Variant type: single nucleotide variant.
Coding change: c.*3C>A on transcript NM_001048174.2 (MANE Select); 3 bases downstream of the stop codon, C replaced by A.
Molecular consequence: 3 prime UTR variant. On other transcripts: non-coding transcript variant (2).
Genome position (GRCh38, 1-based): chr1:45,329,303, G>T on the plus strand (C>A on the coding strand, the complement: MUTYH is on the minus strand). VCF-style: chr1-45329303-G-T. GRCh37 (hg19) VCF-style: chr1-45794975-G-T.
Other names: c.*3C>A (NM_001048171.2, NM_001048172.2, NM_001048173.2 and 9 more transcripts).
Identifiers: ClinVar variation 229745 (VCV000229745.6), dbSNP rs876658168, ClinGen allele CA10577693.

ClinVar aggregate classification (germline): Uncertain significance. Review status: criteria provided, multiple submitters, no conflicts (2 of 4 stars). 2 submissions from 2 submitters: Uncertain significance (2). Last evaluated 2025-06-18.

Conditions:
Hereditary cancer-predisposing syndrome. Also called: Hereditary neoplastic syndrome; Hereditary Cancer Syndrome; Neoplastic Syndromes, Hereditary; Tumor predisposition. Identifiers: Orphanet 140162, MedGen C0027672, MeSH D009386, MONDO:0015356.

Allele frequency attached by ClinVar (database versions not stated): gnomAD 0.00001; gnomAD exomes 0.00001; TOPMed 0.00002.

Submissions (2):

Color Diagnostics, LLC DBA Color Health
Classification: Uncertain significance for Hereditary cancer-predisposing syndrome. Last evaluated: 2025-06-18. Review status: criteria provided, single submitter. Criteria: ACMG Guidelines, 2015. Collection method: clinical testing. Allele origin: germline.
Comment: This variant is located in the 3' untranslated region of the MUTYH gene. To our knowledge, functional studies have not been reported for this variant. This variant has not been reported in individuals affected with MUTYH-related disorders in the literature. This variant has been identified in 2/251496 chromosomes in the general population by the Genome Aggregation Database (gnomAD). The available evidence is insufficient to determine the role of this variant in disease conclusively. Therefore, this variant is classified as a Variant of Uncertain Significance.

Ambry Genetics
Classification: Uncertain significance for Hereditary cancer-predisposing syndrome. Last evaluated: 2017-03-16. Review status: criteria provided, single submitter. Criteria: Ambry Variant Classification Scheme 2023. Collection method: clinical testing. Allele origin: germline.
Comment: The c.*3C>A variant is located in the 3' untranslated region (3&rsquo; UTR) of the MUTYH gene. This variant results from a C to A substitution three nucleotides after the last translated codon. This nucleotide position is well conserved in available vertebrate species. Since supporting evidence is limited at this time, the clinical significance of this alteration remains unclear.